The following is an entry in ClinVar:

NM_001035.3(RYR2):c.2907-274A>G

Gene: RYR2 (ryanodine receptor 2; plus strand). Cytogenetic location: 1q43.
Variant type: single nucleotide variant.
Coding change: c.2907-274A>G on transcript NM_001035.3 (MANE Select); 274 bases into the intron before coding-DNA position 2907, A replaced by G.
Molecular consequence: intron variant.
Genome position (GRCh38, 1-based): chr1:237,548,157, A>G. VCF-style: chr1-237548157-A-G. GRCh37 (hg19) VCF-style: chr1-237711457-A-G.
Identifiers: ClinVar variation 683776 (VCV000683776.1), dbSNP rs2618662, ClinGen allele CA39810712.

ClinVar aggregate classification (germline): Benign (1 of 4 stars; one submission).

Allele frequency attached by ClinVar (database versions not stated): 1000 Genomes Project 30x 0.82495; 1000 Genomes Project 0.83027; TOPMed 0.84243; gnomAD 0.84994 and 0.85661.
gnomAD v4.1: 130,541 of 152,218 alleles (86%); highest among the groups gnomAD compares: South Asian, 96%; 57,888 homozygotes.

Submission:

GeneDx
Classification: Benign. Last evaluated: 2018-06-18. Review status: criteria provided, single submitter. Criteria: GeneDx Variant Classification (06012015). Collection method: clinical testing. Allele origin: germline. Affected: yes.
Comment: This variant is considered likely benign or benign based on one or more of the following criteria: it is a conservative change, it occurs at a poorly conserved position in the protein, it is predicted to be benign by multiple in silico algorithms, and/or has population frequency not consistent with disease.